The following is an entry in ClinVar:

ClinVar aggregate classification (germline): Benign. Review status: criteria provided, multiple submitters, no conflicts (2 of 4 stars). 3 submissions from 3 submitters: Benign (2). 1 of the submissions does not count toward it. Last evaluated 2018-04-26.

Conditions:
FAT3-related disorder. Also called: FAT3-related condition.

Allele frequency attached by ClinVar (database versions not stated): ExAC 0.00435; gnomAD 0.01478 and 0.01568; 1000 Genomes Project 30x 0.01640; 1000 Genomes Project 0.01617; TOPMed 0.01632; ESP Exome Variant Server 0.01645.
gnomAD v4.1: 4,153 of 1,612,946 alleles (0.26%); highest among the groups gnomAD compares: African/African-American, 4.9%; 129 homozygotes.

Submissions (3):

Labcorp Genetics (formerly Invitae), Labcorp
Classification: Benign. Last evaluated: 2018-04-26. Review status: criteria provided, single submitter. Criteria: Invitae Variant Classification Sherloc (09022015). Collection method: clinical testing. Allele origin: germline.

Breakthrough Genomics
Classification: Benign. Review status: criteria provided, single submitter. Criteria: ACMG Guidelines, 2015. Collection method: not provided. Allele origin: germline. Inheritance: Unknown mechanism. Affected: yes.

PreventionGenetics, part of Exact Sciences
Classification: Benign for FAT3-related condition. Last evaluated: 2019-11-06. Review status: no assertion criteria provided. Collection method: clinical testing. Allele origin: germline. Not counted in ClinVar's aggregate classification.
Comment: This variant is classified as benign based on ACMG/AMP sequence variant interpretation guidelines (Richards et al. 2015 PMID: 25741868, with internal and published modifications).

NM_001367949.2(FAT3):c.8929C>T (p.Leu2977=)

Gene: FAT3 (FAT atypical cadherin 3; plus strand). Cytogenetic location: 11q14.3.
Variant type: single nucleotide variant.
Coding change: c.8929C>T on transcript NM_001367949.2 (MANE Select); coding-DNA position 8929, C replaced by T.
Protein change: p.Leu2977=; no amino-acid change (leucine 2977 retained).
Molecular consequence: synonymous variant.
Genome position (GRCh38, 1-based): chr11:92,805,185, C>T. VCF-style: chr11-92805185-C-T. GRCh37 (hg19) VCF-style: chr11-92538351-C-T.
Other names: c.8929C>T, p.Leu2977= (NM_001008781.3).
Identifiers: ClinVar variation 783641 (VCV000783641.6), dbSNP rs56843577, ClinGen allele CA6227752.